The following is an entry in ClinVar:

ClinVar aggregate classification (germline): Conflicting classifications of pathogenicity. Review status: criteria provided, conflicting classifications (1 of 4 stars). 9 submissions from 9 submitters: Uncertain significance (5); Likely benign (2). 2 of the submissions do not count toward it. Last evaluated 2025-12-29.

Conditions:
Hereditary cancer-predisposing syndrome. Also called: Tumor predisposition; Hereditary Cancer Syndrome; Neoplastic Syndromes, Hereditary; Hereditary neoplastic syndrome. Identifiers: Orphanet 140162, MedGen C0027672, MeSH D009386, MONDO:0015356.
Hereditary breast ovarian cancer syndrome. Also called: Breast and ovarian cancer; Hereditary breast and ovarian cancer; Hereditary breast and ovarian cancer syndrome; BRCA1- and BRCA2-Associated Hereditary Breast and Ovarian Cancer; Hereditary breast and ovarian cancer syndrome (HBOC); Hereditary breast and/or ovarian cancer syndrome. Identifiers: Orphanet 145, MedGen C0677776, MeSH D061325, MONDO:0003582. Disease mechanism: loss of function.
Familial cancer of breast. Also called: BREAST CANCER, FAMILIAL; hereditary breast carcinoma; Hereditary breast cancer. Identifiers: Orphanet 227535, MedGen C0346153, MONDO:0016419, OMIM 114480. Disease mechanism: loss of function.
Breast-ovarian cancer, familial, susceptibility to, 2 (BROVCA2). Also called: BRCA2 Hereditary Breast and Ovarian Cancer. Identifiers: Orphanet 145, MedGen C2675520, MONDO:0012933, OMIM 612555. Disease mechanism: loss of function.

Allele frequency attached by ClinVar (database versions not stated): gnomAD exomes below 0.00001; ExAC 0.00001.

Submissions (9):

Labcorp Genetics (formerly Invitae), Labcorp
Classification: Likely benign for Hereditary breast ovarian cancer syndrome. Last evaluated: 2025-12-29. Review status: criteria provided, single submitter. Criteria: Invitae Variant Classification Sherloc (09022015). Collection method: clinical testing. Allele origin: germline.

Ambry Genetics
Classification: Uncertain significance for Hereditary cancer-predisposing syndrome. Last evaluated: 2025-03-07. Review status: criteria provided, single submitter. Criteria: Ambry Variant Classification Scheme 2023. Collection method: clinical testing. Allele origin: germline.
Comment: The p.S1004G variant (also known as c.3010A>G), located in coding exon 10 of the BRCA2 gene, results from an A to G substitution at nucleotide position 3010. The serine at codon 1004 is replaced by glycine, an amino acid with similar properties. This alteration was identified in a cohort of unselected breast cancer patients in China (Li G et al. J. Cancer Res. Clin. Oncol. 2017 Oct;143:2011-2024). This amino acid position is poorly conserved in available vertebrate species. In addition, this alteration is predicted to be tolerated by in silico analysis. Based on the available evidence, the clinical significance of this variant remains unclear.

All of Us Research Program, National Institutes of Health
Classification: Uncertain significance for Breast-ovarian cancer, familial, susceptibility to, 2. Last evaluated: 2023-12-07. Review status: criteria provided, single submitter. Criteria: ACMG Guidelines, 2015. Collection method: clinical testing. Allele origin: germline. Inheritance: Autosomal dominant inheritance. Observed: 3 variant alleles, 3 heterozygotes.
Comment: This missense variant replaces serine with glycine at codon 1004 of the BRCA2 protein. Computational prediction suggests that this variant may not impact protein structure and function (internally defined REVEL score threshold <= 0.5, PMID: 27666373). To our knowledge, functional studies have not been reported for this variant. This variant has been reported in individuals affected with breast cancer (PMID: 28664449, 33471991; Leiden Open Variation Database DB-ID BRCA2_007146, 35731312). This variant has been identified in 1/250722 chromosomes in the general population by the Genome Aggregation Database (gnomAD). The available evidence is insufficient to determine the role of this variant in disease conclusively. Therefore, this variant is classified as a Variant of Uncertain Significance.

This study involves interpretation of variants in research participants for the purpose of population health screening. Participant phenotype was not available at the time of variant classification. Additional details can be found in publication PMID: 35346344, PMCID: PMC8962531

Color Diagnostics, LLC DBA Color Health
Classification: Uncertain significance for Hereditary cancer-predisposing syndrome. Last evaluated: 2023-05-30. Review status: criteria provided, single submitter. Criteria: ACMG Guidelines, 2015. Collection method: clinical testing. Allele origin: germline.
Comment: This missense variant replaces serine with glycine at codon 1004 of the BRCA2 protein. Computational prediction suggests that this variant may not impact protein structure and function (internally defined REVEL score threshold <= 0.5, PMID: 27666373). To our knowledge, functional studies have not been reported for this variant. This variant has been reported in individuals affected with breast cancer (PMID: 28664449, 33471991; Leiden Open Variation Database DB-ID BRCA2_007146, 35731312). This variant has been identified in 1/250722 chromosomes in the general population by the Genome Aggregation Database (gnomAD). The available evidence is insufficient to determine the role of this variant in disease conclusively. Therefore, this variant is classified as a Variant of Uncertain Significance.

University of Washington Department of Laboratory Medicine, University of Washington
Classification: Likely benign for Hereditary cancer-predisposing syndrome. Last evaluated: 2023-03-23. Review status: criteria provided, single submitter. Criteria: Dines et al. (Genet Med. 2020). Collection method: curation. Allele origin: germline.
Comment: Missense variant in a coldspot region where missense variants are very unlikely to be pathogenic (PMID:31911673).

BRCA2 exon 11 coldspot. Reclassification based on statistical prior probability.

Department of Pathology and Laboratory Medicine, Sinai Health System
Classification: Uncertain significance for Familial cancer of breast; Breast-ovarian cancer, familial, susceptibility to, 2. Last evaluated: 2022-05-06. Review status: criteria provided, single submitter. Criteria: ACMG Guidelines, 2015. Collection method: clinical testing. Allele origin: germline. Affected: yes.

ARUP Laboratories, Molecular Genetics and Genomics, ARUP Laboratories
Classification: Uncertain significance. Last evaluated: 2020-01-21. Review status: criteria provided, single submitter. Criteria: ARUP Molecular Germline Variant Investigation Process. Collection method: clinical testing. Allele origin: germline.
Comment: The BRCA2 c.3010A>G; p.Ser1004Gly variant (rs398122759), is reported in the literature in at least one individual with breast cancer (Li 2017). This variant is reported in ClinVar (Variation ID: 91794), and is only observed on one allele in the Genome Aggregation Database, indicating it is not a common polymorphism. The serine at codon 1004 is weakly conserved, and computational analyses (SIFT: damaging, PolyPhen-2: benign) predict conflicting effects of this variant on protein structure/function. Due to limited information, the clinical significance of the p.Ser1004Gly variant is uncertain at this time. References: Li G et al. Analysis of BRCA1/2 mutation spectrum and prevalence in unselected Chinese breast cancer patients by next-generation sequencing. J Cancer Res Clin Oncol. 2017 Oct;143(10):2011-2024.

Counsyl
Classification: Uncertain significance for Breast-ovarian cancer, familial, susceptibility to, 2. Last evaluated: 2016-10-11. Review status: no assertion criteria provided. Collection method: clinical testing. Allele origin: unknown. Not counted in ClinVar's aggregate classification.

Sharing Clinical Reports Project (SCRP)
Classification: Uncertain significance for Breast-ovarian cancer, familial 2. Last evaluated: 2012-05-03. Review status: no assertion criteria provided. Collection method: clinical testing. Allele origin: germline. Not counted in ClinVar's aggregate classification.

Literature cited by the submitters: PubMed 28664449 (cited by 4 submitters); PubMed 33471991 (cited by All of Us Research Program, National Institutes of Health and Color Diagnostics, LLC DBA Color Health); PubMed 35731312 (cited by Color Diagnostics, LLC DBA Color Health).

NM_000059.4(BRCA2):c.3010A>G (p.Ser1004Gly)

Gene: BRCA2 (BRCA2 DNA repair associated; plus strand). Cytogenetic location: 13q13.1.
Variant type: single nucleotide variant.
Coding change: c.3010A>G on transcript NM_000059.4 (MANE Select); coding-DNA position 3010, A replaced by G.
Protein change: p.Ser1004Gly; replaces serine 1004 with glycine.
Molecular consequence: missense variant.
Genome position (GRCh38, 1-based): chr13:32,337,365, A>G. VCF-style: chr13-32337365-A-G. GRCh37 (hg19) VCF-style: chr13-32911502-A-G.
Other names: 3238A>G; short protein forms S1004G.
Identifiers: ClinVar variation 91794 (VCV000091794.27), dbSNP rs398122759, ClinGen allele CA017037.